The following is an entry in ClinVar:

NM_006904.7(PRKDC):c.10759-8C>G

Gene: PRKDC (protein kinase, DNA-activated, catalytic subunit; minus strand). Cytogenetic location: 8q11.21.
Variant type: single nucleotide variant.
Coding change: c.10759-8C>G on transcript NM_006904.7 (MANE Select); 8 bases into the intron before coding-DNA position 10759, C replaced by G.
Molecular consequence: intron variant.
Genome position (GRCh38, 1-based): chr8:47,789,057, G>C on the plus strand (C>G on the coding strand, the complement: PRKDC is on the minus strand). VCF-style: chr8-47789057-G-C. GRCh37 (hg19) VCF-style: chr8-48701618-G-C.
Other names: c.10759-8C>G (NM_001081640.2).
Identifiers: ClinVar variation 657895 (VCV000657895.5), dbSNP rs1589696399, ClinGen allele CA915945681.

ClinVar aggregate classification (germline): Uncertain significance (1 of 4 stars; one submission).

Conditions:
Severe combined immunodeficiency due to DNA-PKcs deficiency. Also called: IMMUNODEFICIENCY 26 WITH NEUROLOGIC ABNORMALITIES; Immunodeficiency 26 with or without neurologic abnormalities. Identifiers: Orphanet 317425, MedGen C4014833, MONDO:0014423, OMIM 615966.

Submission:

Labcorp Genetics (formerly Invitae), Labcorp
Classification: Uncertain significance for Severe combined immunodeficiency due to DNA-PKcs deficiency. Last evaluated: 2018-09-10. Review status: criteria provided, single submitter. Criteria: Invitae Variant Classification Sherloc (09022015). Collection method: clinical testing. Allele origin: germline.
Comment: This variant has not been reported in the literature in individuals with PRKDC-related disease. Algorithms developed to predict the effect of sequence changes on RNA splicing suggest that this variant may disrupt the consensus splice site, but this prediction has not been confirmed by published transcriptional studies. In summary, the available evidence is currently insufficient to determine the role of this variant in disease. Therefore, it has been classified as a Variant of Uncertain Significance. This variant is not present in population databases (ExAC no frequency). This sequence change falls in intron 75 of the PRKDC gene. It does not directly change the encoded amino acid sequence of the PRKDC protein.